The following is an entry in ClinVar:

ClinVar aggregate classification (germline): Uncertain significance. Review status: criteria provided, multiple submitters, no conflicts (2 of 4 stars). 2 submissions from 2 submitters: Uncertain significance (2). Last evaluated 2025-09-10.

Conditions:
Familial hyperaldosteronism type II. Also called: FH II. Identifiers: Orphanet 404, MedGen C1854107, MONDO:0011576, OMIM 605635.

gnomAD v4.1: 1 of 1,614,216 alleles (0.000062%); highest among the groups gnomAD compares: Non-Finnish European, 0.000085%; no homozygotes.

Submissions (2):

Genomic Medicine Center of Excellence, King Faisal Specialist Hospital and Research Centre
Classification: Uncertain significance for Familial hyperaldosteronism type II. Last evaluated: 2025-09-10. Review status: criteria provided, single submitter. Criteria: ACMG Guidelines, 2015. Collection method: clinical testing. Allele origin: germline.

Labcorp Genetics (formerly Invitae), Labcorp
Classification: Uncertain significance. Last evaluated: 2023-06-09. Review status: criteria provided, single submitter. Criteria: Invitae Variant Classification Sherloc (09022015). Collection method: clinical testing. Allele origin: germline.
Comment: In summary, the available evidence is currently insufficient to determine the role of this variant in disease. Therefore, it has been classified as a Variant of Uncertain Significance. Advanced modeling of protein sequence and biophysical properties (such as structural, functional, and spatial information, amino acid conservation, physicochemical variation, residue mobility, and thermodynamic stability) performed at Invitae indicates that this missense variant is expected to disrupt CLCN2 protein function. This variant has not been reported in the literature in individuals affected with CLCN2-related conditions. This variant is not present in population databases (gnomAD no frequency). This sequence change replaces proline, which is neutral and non-polar, with threonine, which is neutral and polar, at codon 381 of the CLCN2 protein (p.Pro381Thr).

NM_004366.6(CLCN2):c.1141C>A (p.Pro381Thr)

Gene: CLCN2 (chloride voltage-gated channel 2; minus strand). Cytogenetic location: 3q27.1.
Variant type: single nucleotide variant.
Coding change: c.1141C>A on transcript NM_004366.6 (MANE Select); coding-DNA position 1141, C replaced by A.
Protein change: p.Pro381Thr; replaces proline 381 with threonine.
Molecular consequence: missense variant.
Genome position (GRCh38, 1-based): chr3:184,355,723, G>T on the plus strand (C>A on the coding strand, the complement: CLCN2 is on the minus strand). VCF-style: chr3-184355723-G-T. GRCh37 (hg19) VCF-style: chr3-184073511-G-T.
Other names: c.1141C>A, p.Pro381Thr (NM_001171087.3, NM_001171089.3); c.1009C>A, p.Pro337Thr (NM_001171088.3); short protein forms P337T, P381T.
Identifiers: ClinVar variation 2719668 (VCV002719668.4), dbSNP rs141605519, ClinGen allele CA355453513.